The following is an entry in ClinVar:

ClinVar aggregate classification (germline): Uncertain significance (1 of 4 stars; one submission).

Conditions:
TECTA-related disorder. Also called: TECTA-related condition.

gnomAD v4.1: 13 of 1,613,868 alleles (0.00081%); highest among the groups gnomAD compares: East Asian, 0.0045%; no homozygotes.

Submission:

PreventionGenetics, part of Exact Sciences
Classification: Uncertain significance for TECTA-related condition. Last evaluated: 2026-06-30. Review status: criteria provided, single submitter. Criteria: ACMG Guidelines, 2015. Collection method: clinical testing. Allele origin: germline.
Comment: The TECTA c.4645A>G variant is predicted to result in the amino acid substitution p.Ile1549Val. To our knowledge, this variant has not been reported in the literature. This variant is reported in 0.0050% of alleles in individuals of East Asian descent in gnomAD. At this time, the clinical significance of this variant is uncertain due to the absence of conclusive functional and genetic evidence.

NM_005422.4(TECTA):c.4645A>G (p.Ile1549Val)

Genes: TBCEL-TECTA (TBCEL-TECTA readthrough; plus strand), TECTA (tectorin alpha; plus strand). Cytogenetic location: 11q23.3.
Variant type: single nucleotide variant.
Coding change: c.4645A>G on transcript NM_005422.4 (MANE Select); coding-DNA position 4645, A replaced by G.
Protein change: p.Ile1549Val; replaces isoleucine 1549 with valine.
Molecular consequence: missense variant.
Genome position (GRCh38, 1-based): chr11:121,158,180, A>G. VCF-style: chr11-121158180-A-G. GRCh37 (hg19) VCF-style: chr11-121028889-A-G.
Other names: c.5602A>G, p.Ile1868Val (NM_001378761.1); short protein forms I1549V, I1868V.
Identifiers: ClinVar variation 4980976 (VCV004980976.1).